The following is an entry in ClinVar:

NM_000089.4(COL1A2):c.1310A>G (p.Asp437Gly)

Gene: COL1A2 (collagen type I alpha 2 chain; plus strand). Cytogenetic location: 7q21.3.
Variant type: single nucleotide variant.
Coding change: c.1310A>G on transcript NM_000089.4 (MANE Select); coding-DNA position 1310, A replaced by G.
Protein change: p.Asp437Gly; replaces aspartic acid 437 with glycine.
Molecular consequence: missense variant.
Genome position (GRCh38, 1-based): chr7:94,411,114, A>G. VCF-style: chr7-94411114-A-G. GRCh37 (hg19) VCF-style: chr7-94040426-A-G.
Other names: short protein forms D437G.
Identifiers: ClinVar variation 3755726 (VCV003755726.2).

ClinVar aggregate classification (germline): Uncertain significance (1 of 4 stars; one submission).

Conditions:
Ehlers-Danlos syndrome, classic type, 1 (EDSCL1). Also called: EHLERS-DANLOS SYNDROME, GRAVIS TYPE; EHLERS-DANLOS SYNDROME, SEVERE CLASSIC TYPE; Ehlers-Danlos syndrome, type 1; Ehlers-Danlos Syndrome, Classic Type, COL5A1-Related; EDS I. Identifiers: MedGen C0268335, MONDO:0019567, OMIM 130000.
Osteogenesis imperfecta type I (OI1). Also called: OI, TYPE I; OSTEOGENESIS IMPERFECTA TARDA; OSTEOGENESIS IMPERFECTA WITH BLUE SCLERAE; Osteogenesis imperfecta type 1; Lobstein's Disease; Lobstein disease. Identifiers: Orphanet 216796, Orphanet 666, MedGen C0023931, MONDO:0008146, OMIM 166200. Disease mechanism: loss of function.

Submission:

Labcorp Genetics (formerly Invitae), Labcorp
Classification: Uncertain significance for Osteogenesis imperfecta type I; Ehlers-Danlos syndrome, classic type, 1. Last evaluated: 2024-04-11. Review status: criteria provided, single submitter. Criteria: Invitae Variant Classification Sherloc (09022015). Collection method: clinical testing. Allele origin: germline.
Comment: This sequence change replaces aspartic acid, which is acidic and polar, with glycine, which is neutral and non-polar, at codon 437 of the COL1A2 protein (p.Asp437Gly). This variant is not present in population databases (gnomAD no frequency). This variant has not been reported in the literature in individuals affected with COL1A2-related conditions. Advanced modeling of protein sequence and biophysical properties (such as structural, functional, and spatial information, amino acid conservation, physicochemical variation, residue mobility, and thermodynamic stability) performed at Invitae indicates that this missense variant is expected to disrupt COL1A2 protein function with a positive predictive value of 80%. In summary, the available evidence is currently insufficient to determine the role of this variant in disease. Therefore, it has been classified as a Variant of Uncertain Significance.